The following is an entry in ClinVar:

NM_001572.5(IRF7):c.769G>A (p.Glu257Lys)

Gene: IRF7 (interferon regulatory factor 7; minus strand). Cytogenetic location: 11p15.5.
Variant type: single nucleotide variant.
Coding change: c.769G>A on transcript NM_001572.5 (MANE Select); coding-DNA position 769, G replaced by A.
Protein change: p.Glu257Lys; replaces glutamic acid 257 with lysine.
Molecular consequence: missense variant.
Genome position (GRCh38, 1-based): chr11:613,863, C>T on the plus strand (G>A on the coding strand, the complement: IRF7 is on the minus strand). VCF-style: chr11-613863-C-T. GRCh37 (hg19) VCF-style: chr11-613863-C-T.
Other names: c.682G>A, p.Glu228Lys (NM_004029.4); c.808G>A, p.Glu270Lys (NM_004031.4); short protein forms E228K, E257K, E270K.
Identifiers: ClinVar variation 1053201 (VCV001053201.9), dbSNP rs1160609325, ClinGen allele CA378979999.
Genomic context (GRCh38, chr11:613,863, plus strand): 5'-CGCTTGGGGAGGGTGACAGGTACGGCTCTGCCTGGTGCGGGGACTCTGGGGCCGCGGCCT[C>T]GCCTGCATCCGGAAGGGAATCCTGTGCTGGCACCTCATCCCTAGCCTCTCCCTGTGCCCC-3'
Protein context (NP_001563.2, residues 247-267): GPQPAALTTG[Glu257Lys]AAAPESPHQA

ClinVar aggregate classification (germline): Uncertain significance (1 of 4 stars; one submission).

Conditions:
Immunodeficiency 39 (IMD39). Identifiers: Orphanet 574918, MedGen C4225358, MONDO:0014597, OMIM 616345.

Allele frequency attached by ClinVar (database versions not stated): TOPMed below 0.00001; gnomAD 0.00001.

Submission:

Labcorp Genetics (formerly Invitae), Labcorp
Classification: Uncertain significance for Immunodeficiency 39. Last evaluated: 2020-09-24. Review status: criteria provided, single submitter. Criteria: Invitae Variant Classification Sherloc (09022015). Collection method: clinical testing. Allele origin: germline.
Comment: This variant has not been reported in the literature in individuals with IRF7-related conditions. In summary, the available evidence is currently insufficient to determine the role of this variant in disease. Therefore, it has been classified as a Variant of Uncertain Significance. Algorithms developed to predict the effect of missense changes on protein structure and function (SIFT, PolyPhen-2, Align-GVGD) all suggest that this variant is likely to be tolerated, but these predictions have not been confirmed by published functional studies and their clinical significance is uncertain. This variant is not present in population databases (ExAC no frequency). This sequence change replaces glutamic acid with lysine at codon 270 of the IRF7 protein (p.Glu270Lys). The glutamic acid residue is weakly conserved and there is a small physicochemical difference between glutamic acid and lysine.